The following is an entry in ClinVar:

NM_198253.3(TERT):c.175C>T (p.Pro59Ser)

Genes: TERT (telomerase reverse transcriptase; minus strand), LOC110806263 (TERT 5' regulatory region; plus strand). Cytogenetic location: 5p15.33.
Variant type: single nucleotide variant.
Coding change: c.175C>T on transcript NM_198253.3 (MANE Select); coding-DNA position 175, C replaced by T.
Protein change: p.Pro59Ser; replaces proline 59 with serine.
Molecular consequence: missense variant. On other transcripts: non-coding transcript variant (2).
Genome position (GRCh38, 1-based): chr5:1,294,815, G>A on the plus strand (C>T on the coding strand, the complement: TERT is on the minus strand). VCF-style: chr5-1294815-G-A. GRCh37 (hg19) VCF-style: chr5-1294930-G-A.
Other names: c.175C>T, p.Pro59Ser (NM_001193376.3); short protein forms P59S.
Identifiers: ClinVar variation 1355731 (VCV001355731.8), dbSNP rs1446206464, ClinGen allele CA359058927.
Genomic context (GRCh38, chr5:1,294,815, plus strand): 5'-CCCCGGGGAGGCCCACCTGGCGGAAGGAGGGGGCGGCGGGGGGCGGCCGTGCGTCCCAGG[G>A]CACGCACACCAGGCACTGGGCCACCAGCGCGCGGAAAGCCGCCGGGTCCCCGCGCTGCAC-3'
Protein context (NP_937983.2, residues 49-69): ALVAQCLVCV[Pro59Ser]WDARPPPAAP

ClinVar aggregate classification (germline): Uncertain significance (1 of 4 stars; one submission).

Conditions:
Dyskeratosis congenita, autosomal dominant 2. Identifiers: MedGen C3151443, MONDO:0013521, OMIM 613989.
Idiopathic Pulmonary Fibrosis. Also called: Idiopathic fibrosing alveolitis, chronic form; idiopathic fibrosing alveolitis. Identifiers: Orphanet 2032, MedGen C1800706, MeSH D054990, MONDO:0800504.

Allele frequency attached by ClinVar (database versions not stated): gnomAD exomes below 0.00001 and 0.00001.
gnomAD v4.1: 1 of 1,512,586 alleles (0.000066%); highest among the groups gnomAD compares: Admixed American, 0.002%; no homozygotes.

Submission:

Labcorp Genetics (formerly Invitae), Labcorp
Classification: Uncertain significance for Dyskeratosis congenita, autosomal dominant 2; Idiopathic Pulmonary Fibrosis. Last evaluated: 2024-02-17. Review status: criteria provided, single submitter. Criteria: Invitae Variant Classification Sherloc (09022015). Collection method: clinical testing. Allele origin: germline.
Comment: This sequence change replaces proline, which is neutral and non-polar, with serine, which is neutral and polar, at codon 59 of the TERT protein (p.Pro59Ser). The frequency data for this variant in the population databases is considered unreliable, as metrics indicate poor data quality at this position in the gnomAD database. This missense change has been observed in individual(s) with pulmonary fibrosis (PMID: 30523342). ClinVar contains an entry for this variant (Variation ID: 1355731). Advanced modeling of protein sequence and biophysical properties (such as structural, functional, and spatial information, amino acid conservation, physicochemical variation, residue mobility, and thermodynamic stability) performed at Invitae indicates that this missense variant is expected to disrupt TERT protein function with a positive predictive value of 95%. In summary, the available evidence is currently insufficient to determine the role of this variant in disease. Therefore, it has been classified as a Variant of Uncertain Significance.

Literature cited by the submitters: PubMed 30523342.